The following is an entry in ClinVar:

ClinVar aggregate classification (germline): Likely benign (1 of 4 stars; one submission).

gnomAD v4.1: 129 of 1,552,310 alleles (0.0083%); highest among the groups gnomAD compares: African/African-American, 0.15%; no homozygotes.

Submission:

CeGaT Center for Human Genetics Tuebingen
Classification: Likely benign. Last evaluated: 2026-03-01. Review status: criteria provided, single submitter. Criteria: CeGaT Center For Human Genetics Tuebingen Variant Classification Criteria Version 2. Collection method: clinical testing. Allele origin: germline. Affected: yes. Observed: 1 variant allele.
Comment: TANC2: BS1

NM_001394998.1(TANC2):c.4345C>G (p.Leu1449Val)

Gene: TANC2 (tetratricopeptide repeat, ankyrin repeat and coiled-coil containing 2; plus strand). Cytogenetic location: 17q23.3.
Variant type: single nucleotide variant.
Coding change: c.4345C>G on transcript NM_001394998.1 (MANE Select); coding-DNA position 4345, C replaced by G.
Protein change: p.Leu1449Val; replaces leucine 1449 with valine.
Molecular consequence: missense variant.
Genome position (GRCh38, 1-based): chr17:63,420,075, C>G. VCF-style: chr17-63420075-C-G. GRCh37 (hg19) VCF-style: chr17-61497436-C-G.
Other names: c.4123C>G, p.Leu1375Val (NM_001411076.1); c.4093C>G, p.Leu1365Val (NM_025185.4); short protein forms L1365V, L1375V, L1449V.
Identifiers: ClinVar variation 4821295 (VCV004821295.4).